The following is an entry in ClinVar:

ClinVar aggregate classification (germline): Conflicting classifications of pathogenicity. Review status: criteria provided, conflicting classifications (1 of 4 stars). 5 submissions from 5 submitters: Uncertain significance (3); Likely benign (1). 1 of the submissions does not count toward it. Last evaluated 2024-01-10.

Conditions:
Cardiovascular phenotype. Identifiers: MedGen CN230736.
TTN-related disorder. Also called: TTN-related condition; TTN-related disease; TTN-related disorders.
Early-onset myopathy with fatal cardiomyopathy (CMYO5). Also called: CONGENITAL MYOPATHY 5 WITH CARDIOMYOPATHY; Salih Myopathy. Identifiers: Orphanet 289377, MedGen C2673677, MONDO:0012714, OMIM 611705. Disease mechanism: loss of function.
Autosomal recessive limb-girdle muscular dystrophy type 2J (LGMDR10). Also called: MUSCULAR DYSTROPHY, LIMB-GIRDLE, AUTOSOMAL RECESSIVE 10; Limb-girdle muscular dystrophy, type 2J. Identifiers: Orphanet 140922, MedGen C1837342, MONDO:0012127, OMIM 608807.
Dilated cardiomyopathy 1G (CMD1G). Identifiers: Orphanet 154, MedGen C1858763, MONDO:0011400, OMIM 604145.
Myopathy, myofibrillar, 9, with early respiratory failure (MFM9). Also called: EDSTROM MYOPATHY; Hereditary myopathy with early respiratory failure; MYOPATHY, PROXIMAL, WITH EARLY RESPIRATORY MUSCLE INVOLVEMENT; Myopathy, distal, with early respiratory failure, autosomal dominant. Identifiers: Orphanet 178464, Orphanet 34521, MedGen C1863599, MONDO:0011362, OMIM 603689.
Tibial muscular dystrophy (TMD). Also called: Tibial muscular dystrophy, tardive; Udd Distal Myopathy – Tibial Muscular Dystrophy; UDD MYOPATHY. Identifiers: Orphanet 609, MedGen C1838244, MONDO:0010870, OMIM 600334.
Hypertrophic cardiomyopathy 9. Also called: Familial hypertrophic cardiomyopathy 9. Identifiers: MedGen C1861065, MONDO:0013412, OMIM 613765.

Allele frequency attached by ClinVar (database versions not stated): gnomAD 0.00003; TOPMed 0.00006; ESP Exome Variant Server 0.00016.
gnomAD v4.1: 21 of 1,613,572 alleles (0.0013%); highest among the groups gnomAD compares: African/African-American, 0.013%; no homozygotes.

Submissions (5):

Blueprint Genetics
Classification: Likely benign. Last evaluated: 2024-01-10. Review status: criteria provided, single submitter. Criteria: ACMG Guidelines, 2015. Collection method: clinical testing. Allele origin: germline.

Fulgent Genetics
Classification: Uncertain significance for Tibial muscular dystrophy; Myopathy, myofibrillar, 9, with early respiratory failure; Dilated cardiomyopathy 1G; Autosomal recessive limb-girdle muscular dystrophy type 2J; Early-onset myopathy with fatal cardiomyopathy; Hypertrophic cardiomyopathy 9. Last evaluated: 2021-08-10. Review status: criteria provided, single submitter. Criteria: ACMG Guidelines, 2015. Collection method: clinical testing. Allele origin: unknown.

Ambry Genetics
Classification: Uncertain significance for Cardiovascular phenotype. Last evaluated: 2013-11-25. Review status: criteria provided, single submitter. Criteria: Ambry Autosomal Dominant and X-Linked criteria (10/2015). Collection method: clinical testing. Allele origin: germline. Observed: 1 variant allele.
Comment: The p.R29288C variant (also known as c.87862C>T) is located in coding exon 292 of the TTNgene. This alteration results from a C to T substitution at nucleotide position 87862. The arginine at codon 29288 is replaced by cysteine, an amino acid with highly dissimilar properties. Based on data from the NHLBI Exome Sequencing Project (ESP), the T-allele has an overall frequency of approximately0.02% (2/12418), having been observed in0.05% (2/4040)of African American alleles, and not observed in 8378 European American alleles studied.This variant was not reported in population-based cohorts in the Database of Single Nucleotide Polymorphisms (dbSNP) or the 1000 Genomes Project. Based on protein sequence alignment, this amino acid position is highly conserved in available vertebrate species. In addition, this alteration is predicted to be probably damaging by PolyPhen analysis. Since supporting evidence is limited at this time, the clinical significance of this variant remains unclear.

GeneDx
Classification: Uncertain significance. Last evaluated: 2013-11-18. Review status: criteria provided, single submitter. Criteria: GeneDx Variant Classification (06012015). Collection method: clinical testing. Allele origin: germline. Affected: yes.
Comment: Missense variants in the TTN gene are considered 'unclassified' if they are not previously reported in the literature and do not have >1% frequency in the population to be considered a polymorphism. Research indicates that truncating mutations in the TTN gene are expected to account for approximately 25% of familial and 18% of sporadic idiopathic DCM; however, truncating variants in the TTN gene have been reported in approximately 3% of reported control alleles. There has been little investigation into non-truncating variants. (Herman D et al. Truncations of titin causing dilated cardiomyopathy. N Eng J Med 366:619-628, 2012) The variant is found in DCM,DCM-CRDM panel(s).

PreventionGenetics, part of Exact Sciences
Classification: Uncertain significance for TTN-related condition. Last evaluated: 2024-01-10. Review status: no assertion criteria provided. Collection method: clinical testing. Allele origin: germline. Not counted in ClinVar's aggregate classification.
Comment: The TTN c.95566C>T variant is predicted to result in the amino acid substitution p.Arg31856Cys. To our knowledge, this variant has not been reported in the literature. This variant is reported in 0.012% of alleles in individuals of African descent in gnomAD. A different nucleotide substitution affecting the same amino acid (p.Arg31856His) has been reported in an individual with dilated cardiomyopathy (Table S3, Mazzarotto et al. 2020. PubMed ID: 31983221). At this time, the clinical significance of the c.95566C>T (p.Arg31856Cys) variant is uncertain due to the absence of conclusive functional and genetic evidence.

NM_001267550.2(TTN):c.95566C>T (p.Arg31856Cys)

Genes: TTN (titin; minus strand), TTN-AS1 (TTN antisense RNA 1; plus strand). Cytogenetic location: 2q31.2.
Variant type: single nucleotide variant.
Coding change: c.95566C>T on transcript NM_001267550.2 (MANE Select); coding-DNA position 95566, C replaced by T.
Protein change: p.Arg31856Cys; replaces arginine 31856 with cysteine.
Molecular consequence: missense variant.
Genome position (GRCh38, 1-based): chr2:178,545,544, G>A on the plus strand (C>T on the coding strand, the complement: TTN is on the minus strand). VCF-style: chr2-178545544-G-A. GRCh37 (hg19) VCF-style: chr2-179410271-G-A.
Other names: p.R30215C:CGT>TGT; c.90643C>T, p.Arg30215Cys (NM_001256850.1); c.68371C>T, p.Arg22791Cys (NM_003319.4); c.87862C>T, p.Arg29288Cys (NM_133378.4); c.68746C>T, p.Arg22916Cys (NM_133432.3); c.68947C>T, p.Arg22983Cys (NM_133437.4); short protein forms R30215C, R31856C, R29288C, R22983C, R22791C, R22916C.
Identifiers: ClinVar variation 203015 (VCV000203015.8), dbSNP rs72648261, ClinGen allele CA310983.